The following is an entry in ClinVar:

ClinVar aggregate classification (germline): Benign/Likely benign. Review status: criteria provided, multiple submitters, no conflicts (2 of 4 stars). 5 submissions from 5 submitters: Benign (3); Likely benign (2). Last evaluated 2026-09-01.

Conditions:
Congenital stationary night blindness 1C. Also called: Night blindness, congenital stationary (complete), 1C, autosomal recessive. Identifiers: Orphanet 215, MedGen C2750747, MONDO:0013183, OMIM 613216.

Allele frequency attached by ClinVar (database versions not stated): 1000 Genomes Project 30x 0.00297; 1000 Genomes Project 0.00339; TOPMed 0.00740; gnomAD 0.00828 and 0.00844; gnomAD exomes 0.00836 and 0.01261; ExAC 0.00875; ESP Exome Variant Server 0.00929.
gnomAD v4.1: 19,493 of 1,614,090 alleles (1.2%); highest among the groups gnomAD compares: Non-Finnish European, 1.5%; 154 homozygotes.

Submissions (5):

CeGaT Center for Human Genetics Tuebingen
Classification: Benign. Last evaluated: 2026-09-01. Review status: criteria provided, single submitter. Criteria: CeGaT Center For Human Genetics Tuebingen Variant Classification Criteria Version 2. Collection method: clinical testing. Allele origin: germline. Affected: yes. Observed: 3 variant alleles.
Comment: TRPM1: BP4, BS1, BS2

Labcorp Genetics (formerly Invitae), Labcorp
Classification: Benign. Last evaluated: 2026-02-01. Review status: criteria provided, single submitter. Criteria: Invitae Variant Classification Sherloc (09022015). Collection method: clinical testing. Allele origin: germline.

GeneDx
Classification: Likely benign. Last evaluated: 2019-06-12. Review status: criteria provided, single submitter. Criteria: GeneDx Variant Classification Process June 2021. Collection method: clinical testing. Allele origin: germline. Affected: yes.

Illumina Laboratory Services, Illumina
Classification: Benign for Congenital stationary night blindness 1C. Last evaluated: 2018-01-13. Review status: criteria provided, single submitter. Criteria: ICSL Variant Classification Criteria 13 December 2019. Collection method: clinical testing. Allele origin: germline.
Comment: This variant was observed in the ICSL laboratory as part of a predisposition screen in an ostensibly healthy population. It had not been previously curated by ICSL or reported in the Human Gene Mutation Database (HGMD: prior to June 1st, 2018), and was therefore a candidate for classification through an automated scoring system. Utilizing variant allele frequency, disease prevalence and penetrance estimates, and inheritance mode, an automated score was calculated to assess if this variant is too frequent to cause the disease. Based on the score and internal cut-off values, a variant classified as benign is not then subjected to further curation. The score for this variant resulted in a classification of benign for this disease.

Breakthrough Genomics
Classification: Likely benign. Review status: criteria provided, single submitter. Criteria: ACMG Guidelines, 2015. Collection method: not provided. Allele origin: germline. Inheritance: Unknown mechanism. Affected: yes.

NM_001252024.2(TRPM1):c.4744G>A (p.Val1582Met)

Gene: TRPM1 (transient receptor potential cation channel subfamily M member 1; minus strand). Cytogenetic location: 15q13.3.
Variant type: single nucleotide variant.
Coding change: c.4744G>A on transcript NM_001252024.2 (MANE Select); coding-DNA position 4744, G replaced by A.
Protein change: p.Val1582Met; replaces valine 1582 with methionine.
Molecular consequence: missense variant.
Genome position (GRCh38, 1-based): chr15:31,001,956, C>T on the plus strand (G>A on the coding strand, the complement: TRPM1 is on the minus strand). VCF-style: chr15-31001956-C-T. GRCh37 (hg19) VCF-style: chr15-31294159-C-T.
Other names: c.4795G>A, p.Val1599Met (NM_001252020.2); c.4678G>A, p.Val1560Met (NM_002420.6); short protein forms V1560M, V1582M, V1599M.
Identifiers: ClinVar variation 315488 (VCV000315488.43), dbSNP rs61734295, ClinGen allele CA7451584.
Genomic context (GRCh38, chr15:31,001,956, plus strand): 5'-CTAAGCTGCTTACACTACTGGCATGTCCAGATCTGTCTAACTTTCCCTGAATGGATTTCA[C>T]ATTCCTAGGATGTCCATGTAAACTTTTTGACCTGAGAGATGGGAATCCCAAAGTTTGATC-3'
Protein context (NP_001238953.1, residues 1572-1592): SKSLHGHPRN[Val1582Met]KSIQGKLDRS